The following is an entry in ClinVar:

ClinVar aggregate classification (germline): Uncertain significance (1 of 4 stars; one submission).

Conditions:
Cerebroretinal microangiopathy with calcifications and cysts 1 (CRMCC1). Identifiers: Orphanet 313838, MedGen C4552029, MONDO:0024564, OMIM 612199.

Allele frequency attached by ClinVar (database versions not stated): TOPMed below 0.00001; gnomAD 0.00001; gnomAD exomes 0.00001; ESP Exome Variant Server 0.00008.
gnomAD v4.1: 8 of 1,613,272 alleles (0.0005%); highest among the groups gnomAD compares: Non-Finnish European, 0.00068%; no homozygotes.

Submission:

Victorian Clinical Genetics Services, Murdoch Childrens Research Institute
Classification: Uncertain significance for Cerebroretinal microangiopathy with calcifications and cysts 1. Last evaluated: 2020-05-26. Review status: criteria provided, single submitter. Criteria: ACMG Guidelines, 2015. Collection method: clinical testing. Allele origin: germline. Inheritance: Autosomal recessive inheritance.
Comment: Based on the classification scheme VCGS_Germline_v1.1.1, this variant is classified as 3B-VUS. Following criteria are met: 0102 - Loss-of-function is a known mechanism of disease for this gene. (N) 0106 - This gene is known to be associated with autosomal recessive disease. (N) 0200 - Variant is predicted to result in a missense amino acid change from aspartic acid to valine (exon 9). (N) 0251 - Variant is heterozygous. (N) 0302 - Variant is present in gnomAD <0.001 for a dominant condition (1 heterozygote, 0 homozygotes). (P) 0502 - Missense variant with conflicting in silico predictions and/or uninformative conservation. (N) 0604 - Variant is not located in an established domain, motif, hotspot or informative constraint region. (N) 0705 - No comparable variants have previous evidence for pathogenicity. (N) 0807 - Variant has not previously been reported in a clinical context. (N) 0905 - No segregation evidence has been identified for this variant. (N) 1007 - No published functional evidence has been identified for this variant. (N) 1208 - Inheritance information for this variant is not currently available. (N) Legend: (P) - Pathogenic, (N) - Neutral, (B) - Benign

NM_025099.6(CTC1):c.1535A>T (p.Asp512Val)

Gene: CTC1 (CST telomere replication complex component 1; minus strand). Cytogenetic location: 17p13.1.
Variant type: single nucleotide variant.
Coding change: c.1535A>T on transcript NM_025099.6 (MANE Select); coding-DNA position 1535, A replaced by T.
Protein change: p.Asp512Val; replaces aspartic acid 512 with valine.
Molecular consequence: missense variant. On other transcripts: non-coding transcript variant (1).
Genome position (GRCh38, 1-based): chr17:8,234,831, T>A on the plus strand (A>T on the coding strand, the complement: CTC1 is on the minus strand). VCF-style: chr17-8234831-T-A. GRCh37 (hg19) VCF-style: chr17-8138149-T-A.
Other names: c.1535A>T, p.Asp512Val (NM_001411067.1); short protein forms D512V.
Identifiers: ClinVar variation 1805563 (VCV001805563.1), dbSNP rs373532145, ClinGen allele CA287536036.